The following is an entry in ClinVar:

ClinVar aggregate classification (germline): Conflicting classifications of pathogenicity. Review status: criteria provided, conflicting classifications (1 of 4 stars). 3 submissions from 3 submitters: Uncertain significance (2); Benign (1). Last evaluated 2026-01-14.

Conditions:
Cutis laxa with severe pulmonary, gastrointestinal and urinary anomalies. Also called: URBAN-RIFKIN-DAVIS SYNDROME; LTBP4-Related Cutis Laxa; Cutis laxa, autosomal recessive, type IC. Identifiers: Orphanet 221145, MedGen C2750804, MONDO:0013170, OMIM 613177. Disease mechanism: loss of function.

Allele frequency attached by ClinVar (database versions not stated): TOPMed 0.00011; gnomAD 0.00013 and 0.00014; ESP Exome Variant Server 0.00016; gnomAD exomes 0.00019; ExAC 0.00023.
gnomAD v4.1: 154 of 1,595,802 alleles (0.0097%); highest among the groups gnomAD compares: Non-Finnish European, 0.0031%; no homozygotes.

Submissions (3):

Labcorp Genetics (formerly Invitae), Labcorp
Classification: Benign. Last evaluated: 2026-01-14. Review status: criteria provided, single submitter. Criteria: Invitae Variant Classification Sherloc (09022015). Collection method: clinical testing. Allele origin: germline.

Department of Pathology and Laboratory Medicine, Sinai Health System
Classification: Uncertain significance for cutis laxa with severe pulmonary, gastrointestinal and urinary anomalies. Last evaluated: 2022-06-12. Review status: criteria provided, single submitter. Criteria: ACMG Guidelines, 2015. Collection method: research. Allele origin: germline.

GeneDx
Classification: Uncertain significance. Last evaluated: 2020-02-06. Review status: criteria provided, single submitter. Criteria: GeneDx Variant Classification Process June 2021. Collection method: clinical testing. Allele origin: germline. Affected: yes.
Comment: In silico analysis supports that this missense variant has a deleterious effect on protein structure/function; Has not been previously published as pathogenic or benign to our knowledge

NM_001042545.2(LTBP4):c.4411G>A (p.Gly1471Arg)

Gene: LTBP4 (latent transforming growth factor beta binding protein 4; plus strand). Cytogenetic location: 19q13.2.
Variant type: single nucleotide variant.
Coding change: c.4411G>A on transcript NM_001042545.2 (MANE Select); coding-DNA position 4411, G replaced by A.
Protein change: p.Gly1471Arg; replaces glycine 1471 with arginine.
Molecular consequence: missense variant.
Genome position (GRCh38, 1-based): chr19:40,627,749, G>A. VCF-style: chr19-40627749-G-A. GRCh37 (hg19) VCF-style: chr19-41133654-G-A.
Other names: c.4612G>A, p.Gly1538Arg (NM_001042544.1); c.4501G>A, p.Gly1501Arg (NM_003573.2); short protein forms G1471R, G1501R, G1538R.
Identifiers: ClinVar variation 1186147 (VCV001186147.11), dbSNP rs375100061, ClinGen allele CA9449315.